The following is an entry in ClinVar:

ClinVar aggregate classification (germline): Conflicting classifications of pathogenicity. Review status: criteria provided, conflicting classifications (1 of 4 stars). 10 submissions from 6 submitters: Uncertain significance (4); Benign (2); Likely benign (4). Last evaluated 2025-12-21.

Conditions:
Cardiovascular phenotype. Identifiers: MedGen CN230736.
Autosomal recessive limb-girdle muscular dystrophy type 2J (LGMDR10). Also called: Limb-girdle muscular dystrophy, type 2J; MUSCULAR DYSTROPHY, LIMB-GIRDLE, AUTOSOMAL RECESSIVE 10. Identifiers: Orphanet 140922, MedGen C1837342, MONDO:0012127, OMIM 608807.
Dilated cardiomyopathy 1G (CMD1G). Identifiers: Orphanet 154, MedGen C1858763, MONDO:0011400, OMIM 604145.
Myopathy, myofibrillar, 9, with early respiratory failure (MFM9). Also called: Hereditary myopathy with early respiratory failure; EDSTROM MYOPATHY; MYOPATHY, PROXIMAL, WITH EARLY RESPIRATORY MUSCLE INVOLVEMENT; Myopathy, distal, with early respiratory failure, autosomal dominant. Identifiers: Orphanet 178464, Orphanet 34521, MedGen C1863599, MONDO:0011362, OMIM 603689.
Early-onset myopathy with fatal cardiomyopathy (CMYO5). Also called: Salih Myopathy; CONGENITAL MYOPATHY 5 WITH CARDIOMYOPATHY. Identifiers: Orphanet 289377, MedGen C2673677, MONDO:0012714, OMIM 611705. Disease mechanism: loss of function.
Tibial muscular dystrophy (TMD). Also called: Tibial muscular dystrophy, tardive; UDD MYOPATHY; Udd Distal Myopathy – Tibial Muscular Dystrophy. Identifiers: Orphanet 609, MedGen C1838244, MONDO:0010870, OMIM 600334.

Allele frequency attached by ClinVar (database versions not stated): gnomAD 0.00002 and 0.00005; TOPMed 0.00002; ExAC 0.00005; gnomAD exomes 0.00005; 1000 Genomes Project 30x 0.00047; 1000 Genomes Project 0.00060.
gnomAD v4.1: 157 of 1,614,084 alleles (0.0097%); highest among the groups gnomAD compares: East Asian, 0.35%; no homozygotes.

Submissions (10):

Labcorp Genetics (formerly Invitae), Labcorp
Classification: Likely benign for Dilated cardiomyopathy 1G; Autosomal recessive limb-girdle muscular dystrophy type 2J. Last evaluated: 2025-12-21. Review status: criteria provided, single submitter. Criteria: Invitae Variant Classification Sherloc (09022015). Collection method: clinical testing. Allele origin: germline.

Women's Health and Genetics/Laboratory Corporation of America, LabCorp
Classification: Likely benign. Last evaluated: 2022-03-28. Review status: criteria provided, single submitter. Criteria: LabCorp Variant Classification Summary - May 2015. Collection method: clinical testing. Allele origin: germline.

Ambry Genetics
Classification: Likely benign for Cardiovascular phenotype. Last evaluated: 2021-10-28. Review status: criteria provided, single submitter. Criteria: Ambry Variant Classification Scheme 2023. Collection method: clinical testing. Allele origin: germline.

GeneDx
Classification: Likely benign. Last evaluated: 2018-07-13. Review status: criteria provided, single submitter. Criteria: GeneDx Variant Classification Process June 2021. Collection method: clinical testing. Allele origin: germline. Affected: yes.

Illumina Laboratory Services, Illumina
Classification: Benign for Myopathy, myofibrillar, 9, with early respiratory failure. Last evaluated: 2018-01-13. Review status: criteria provided, single submitter. Criteria: ICSL Variant Classification Criteria 13 December 2019. Collection method: clinical testing. Allele origin: germline.
Comment: This variant was observed in the ICSL laboratory as part of a predisposition screen in an ostensibly healthy population. It had not been previously curated by ICSL or reported in the Human Gene Mutation Database (HGMD: prior to June 1st, 2018), and was therefore a candidate for classification through an automated scoring system. Utilizing variant allele frequency, disease prevalence and penetrance estimates, and inheritance mode, an automated score was calculated to assess if this variant is too frequent to cause the disease. Based on the score and internal cut-off values, a variant classified as benign is not then subjected to further curation. The score for this variant resulted in a classification of benign for this disease.

Illumina Laboratory Services, Illumina
Classification: Uncertain significance for Dilated cardiomyopathy 1G. Last evaluated: 2018-01-13. Review status: criteria provided, single submitter. Criteria: ICSL Variant Classification Criteria 13 December 2019. Collection method: clinical testing. Allele origin: germline.

Illumina Laboratory Services, Illumina
Classification: Uncertain significance for Autosomal recessive limb-girdle muscular dystrophy type 2J. Last evaluated: 2018-01-13. Review status: criteria provided, single submitter. Criteria: ICSL Variant Classification Criteria 13 December 2019. Collection method: clinical testing. Allele origin: germline.

Illumina Laboratory Services, Illumina
Classification: Uncertain significance for Early-onset myopathy with fatal cardiomyopathy. Last evaluated: 2018-01-13. Review status: criteria provided, single submitter. Criteria: ICSL Variant Classification Criteria 13 December 2019. Collection method: clinical testing. Allele origin: germline.

Illumina Laboratory Services, Illumina
Classification: Benign for Tibial muscular dystrophy. Last evaluated: 2018-01-13. Review status: criteria provided, single submitter. Criteria: ICSL Variant Classification Criteria 13 December 2019. Collection method: clinical testing. Allele origin: germline.
Comment: the same text as in the submission from Illumina Laboratory Services, Illumina above.

Eurofins Ntd Llc (ga)
Classification: Uncertain significance. Last evaluated: 2016-06-14. Review status: criteria provided, single submitter. Criteria: EGL Classification Definitions 2015. Collection method: clinical testing. Allele origin: germline. Observed: 1 variant allele, 1 heterozygote.

NM_001267550.2(TTN):c.7524T>C (p.His2508=)

Gene: TTN (titin; minus strand). Cytogenetic location: 2q31.2.
Variant type: single nucleotide variant.
Coding change: c.7524T>C on transcript NM_001267550.2 (MANE Select); coding-DNA position 7524, T replaced by C.
Protein change: p.His2508=; no amino-acid change (histidine 2508 retained).
Molecular consequence: synonymous variant.
Genome position (GRCh38, 1-based): chr2:178,773,532, A>G on the plus strand (T>C on the coding strand, the complement: TTN is on the minus strand). VCF-style: chr2-178773532-A-G. GRCh37 (hg19) VCF-style: chr2-179638259-A-G.
Other names: c.7524T>C, p.His2508= (NM_001256850.1, NM_133378.4, NM_133379.5); c.7386T>C, p.His2462= (NM_003319.4, NM_133432.3, NM_133437.4).
Identifiers: ClinVar variation 288671 (VCV000288671.23), dbSNP rs2291307, ClinGen allele CA2004797.
Genomic context (GRCh38, chr2:178,773,532, plus strand): 5'-GAGATTACAGTTGGTTTCAACTCTGCCAACTATCAGCTTGTAAGGTCCTTCGTCTGAAGC[A>G]TGAGTTCGGTTAATGACTAGTCGCTGTTTAGTACCTTTCACAATGGCCTGTACACGGTCA-3'
Protein context (NP_001254479.2, residues 2498-2518): TKQRLVINRT[His2508=]ASDEGPYKLI